The following is an entry in ClinVar:

NM_000170.3(GLDC):c.2315+6T>C

Gene: GLDC (glycine decarboxylase; minus strand). Cytogenetic location: 9p24.1.
Variant type: single nucleotide variant.
Coding change: c.2315+6T>C on transcript NM_000170.3 (MANE Select); 6 bases into the intron after coding-DNA position 2315, T replaced by C.
Molecular consequence: intron variant.
Genome position (GRCh38, 1-based): chr9:6,554,663, A>G on the plus strand (T>C on the coding strand, the complement: GLDC is on the minus strand). VCF-style: chr9-6554663-A-G. GRCh37 (hg19) VCF-style: chr9-6554663-A-G.
Identifiers: ClinVar variation 1396271 (VCV001396271.7), dbSNP rs1817582202, ClinGen allele CA1830507201.

ClinVar aggregate classification (germline): Uncertain significance. Review status: criteria provided, multiple submitters, no conflicts (2 of 4 stars). 2 submissions from 2 submitters: Uncertain significance (2). Last evaluated 2023-10-29.

Conditions:
Glycine encephalopathy. Also called: Nonketotic hyperglycinemia; Non-ketotic hyperglycinemia. Identifiers: Orphanet 407, MedGen C0751748, MONDO:0011612, HP:0008288.

Allele frequency attached by ClinVar (database versions not stated): gnomAD exomes below 0.00001.
gnomAD v4.1: 1 of 1,597,068 alleles (0.000063%); highest among the groups gnomAD compares: African/African-American, 0.0013%; no homozygotes.

Submissions (2):

Women's Health and Genetics/Laboratory Corporation of America, LabCorp
Classification: Uncertain significance. Last evaluated: 2023-10-29. Review status: criteria provided, single submitter. Criteria: LabCorp Variant Classification Summary - May 2015. Collection method: clinical testing. Allele origin: germline.

Labcorp Genetics (formerly Invitae), Labcorp
Classification: Uncertain significance for Glycine encephalopathy. Last evaluated: 2022-06-05. Review status: criteria provided, single submitter. Criteria: Invitae Variant Classification Sherloc (09022015). Collection method: clinical testing. Allele origin: germline.
Comment: Variants that disrupt the consensus splice site are a relatively common cause of aberrant splicing (PMID: 17576681, 9536098). Algorithms developed to predict the effect of sequence changes on RNA splicing suggest that this variant may disrupt the consensus splice site. This sequence change falls in intron 19 of the GLDC gene. It does not directly change the encoded amino acid sequence of the GLDC protein. It affects a nucleotide within the consensus splice site. This variant is not present in population databases (gnomAD no frequency). This variant has not been reported in the literature in individuals affected with GLDC-related conditions. ClinVar contains an entry for this variant (Variation ID: 1396271). In summary, the available evidence is currently insufficient to determine the role of this variant in disease. Therefore, it has been classified as a Variant of Uncertain Significance.

Literature cited by the submitters: PubMed 17576681 (cited by Labcorp Genetics (formerly Invitae), Labcorp); PubMed 9536098 (cited by Labcorp Genetics (formerly Invitae), Labcorp).